The following is an entry in ClinVar:

ClinVar aggregate classification (germline): Uncertain significance. Review status: criteria provided, multiple submitters, no conflicts (2 of 4 stars). 2 submissions from 2 submitters: Uncertain significance (2). Last evaluated 2025-11-16.

Conditions:
Inborn genetic diseases. Identifiers: MedGen C0950123, MeSH D030342.

gnomAD v4.1: 11 of 1,600,364 alleles (0.00069%); highest among the groups gnomAD compares: East Asian, 0.0045%; no homozygotes.

Submissions (2):

Labcorp Genetics (formerly Invitae), Labcorp
Classification: Uncertain significance. Last evaluated: 2025-11-16. Review status: criteria provided, single submitter. Criteria: Invitae Variant Classification Sherloc (09022015). Collection method: clinical testing. Allele origin: germline.
Comment: This sequence change replaces isoleucine, which is neutral and non-polar, with threonine, which is neutral and polar, at codon 416 of the ANKRD26 protein (p.Ile416Thr). This variant is present in population databases (rs774920110, gnomAD 0.01%). This variant has not been reported in the literature in individuals affected with ANKRD26-related conditions. ClinVar contains an entry for this variant (Variation ID: 3915440). An algorithm developed to predict the effect of missense changes on protein structure and function outputs the following: PolyPhen-2: "Benign". The threonine amino acid residue is found in multiple mammalian species, which suggests that this missense change does not adversely affect protein function. In summary, the available evidence is currently insufficient to determine the role of this variant in disease. Therefore, it has been classified as a Variant of Uncertain Significance.

Ambry Genetics
Classification: Uncertain significance for Inborn genetic diseases. Last evaluated: 2025-05-18. Review status: criteria provided, single submitter. Criteria: Ambry Variant Classification Scheme 2023. Collection method: clinical testing. Allele origin: germline.

NM_014915.3(ANKRD26):c.1247T>C (p.Ile416Thr)

Gene: ANKRD26 (ankyrin repeat domain 26; minus strand). Cytogenetic location: 10p12.1.
Variant type: single nucleotide variant.
Coding change: c.1247T>C on transcript NM_014915.3 (MANE Select); coding-DNA position 1247, T replaced by C.
Protein change: p.Ile416Thr; replaces isoleucine 416 with threonine.
Molecular consequence: missense variant.
Genome position (GRCh38, 1-based): chr10:27,066,509, A>G on the plus strand (T>C on the coding strand, the complement: ANKRD26 is on the minus strand). VCF-style: chr10-27066509-A-G. GRCh37 (hg19) VCF-style: chr10-27355438-A-G.
Other names: c.1247T>C, p.Ile416Thr (NM_001256053.2); short protein forms I416T.
Identifiers: ClinVar variation 3915440 (VCV003915440.2).